The following is an entry in ClinVar:

ClinVar aggregate classification (germline): Uncertain significance. Review status: criteria provided, multiple submitters, no conflicts (2 of 4 stars). 3 submissions from 3 submitters: Uncertain significance (3). Last evaluated 2026-09-11.

Conditions:
Hereditary cancer-predisposing syndrome. Also called: Neoplastic Syndromes, Hereditary; Tumor predisposition; Hereditary neoplastic syndrome; Hereditary Cancer Syndrome. Identifiers: Orphanet 140162, MedGen C0027672, MeSH D009386, MONDO:0015356.
Tuberous sclerosis 2 (TSC2). Identifiers: Orphanet 805, MedGen C1860707, MONDO:0013199, OMIM 613254.

Submissions (3):

GeneDx
Classification: Uncertain significance. Last evaluated: 2026-09-11. Review status: criteria provided, single submitter. Criteria: GeneDx Variant Classification Process June 2021. Collection method: clinical testing. Allele origin: germline.
Comment: Not observed at significant frequency in large population cohorts (gnomAD); In silico analysis supports that this missense variant has a deleterious effect on protein structure/function; Has not been previously published as pathogenic or benign to our knowledge

Ambry Genetics
Classification: Uncertain significance for Hereditary cancer-predisposing syndrome. Last evaluated: 2023-11-16. Review status: criteria provided, single submitter. Criteria: Ambry Variant Classification Scheme 2023. Collection method: clinical testing. Allele origin: germline.
Comment: The p.D1012E variant (also known as c.3036C>G), located in coding exon 26 of the TSC2 gene, results from a C to G substitution at nucleotide position 3036. The aspartic acid at codon 1012 is replaced by glutamic acid, an amino acid with highly similar properties. This amino acid position is conserved. In addition, this alteration is predicted to be deleterious by in silico analysis. Since supporting evidence is limited at this time, the clinical significance of this alteration remains unclear.

Labcorp Genetics (formerly Invitae), Labcorp
Classification: Uncertain significance for Tuberous sclerosis 2. Last evaluated: 2023-11-16. Review status: criteria provided, single submitter. Criteria: Invitae Variant Classification Sherloc (09022015). Collection method: clinical testing. Allele origin: germline.
Comment: This sequence change replaces aspartic acid, which is acidic and polar, with glutamic acid, which is acidic and polar, at codon 1012 of the TSC2 protein (p.Asp1012Glu). This variant is not present in population databases (gnomAD no frequency). This variant has not been reported in the literature in individuals affected with TSC2-related conditions. ClinVar contains an entry for this variant (Variation ID: 952012). Advanced modeling of protein sequence and biophysical properties (such as structural, functional, and spatial information, amino acid conservation, physicochemical variation, residue mobility, and thermodynamic stability) performed at Invitae indicates that this missense variant is not expected to disrupt TSC2 protein function with a negative predictive value of 95%. In summary, the available evidence is currently insufficient to determine the role of this variant in disease. Therefore, it has been classified as a Variant of Uncertain Significance.

NM_000548.5(TSC2):c.3036C>G (p.Asp1012Glu)

Gene: TSC2 (TSC complex subunit 2; plus strand). Cytogenetic location: 16p13.3.
Variant type: single nucleotide variant.
Coding change: c.3036C>G on transcript NM_000548.5 (MANE Select); coding-DNA position 3036, C replaced by G.
Protein change: p.Asp1012Glu; replaces aspartic acid 1012 with glutamic acid.
Molecular consequence: missense variant.
Genome position (GRCh38, 1-based): chr16:2,079,101, C>G. VCF-style: chr16-2079101-C-G. GRCh37 (hg19) VCF-style: chr16-2129102-C-G.
Other names: c.2904C>G, p.Asp968Glu (NM_001077183.3, NM_001370404.1); c.3036C>G, p.Asp1012Glu (NM_001114382.3); c.2796C>G, p.Asp932Glu (NM_001318827.2); c.2760C>G, p.Asp920Glu (NM_001318829.2); c.2304C>G, p.Asp768Glu (NM_001318831.2); c.2937C>G, p.Asp979Glu (NM_001318832.2); c.2907C>G, p.Asp969Glu (NM_001363528.2, NM_001370405.1, NM_021055.3); short protein forms D968E, D1012E, D768E, D920E, D932E, D969E, D979E.
Identifiers: ClinVar variation 952012 (VCV000952012.12), dbSNP rs144997264, ClinGen allele CA394284111.
Genomic context (GRCh38, chr16:2,079,101, plus strand): 5'-GACGTCCCTCACCAGTGCCAGCTTGGGGTCTGCAGATGAGAACTCCGTGGCCCAGGCTGA[C>G]GATAGCCTGAAAAACCTCCACCTGGAGCTCACGGAAACCTGTCTGGACATGATGGCTCGA-3'
Protein context (NP_000539.2, residues 1002-1022): SADENSVAQA[Asp1012Glu]DSLKNLHLEL